The following is an entry in ClinVar:

ClinVar aggregate classification (germline): Uncertain significance (1 of 4 stars; one submission).

Submission:

GeneDx
Classification: Uncertain significance. Last evaluated: 2026-03-10. Review status: criteria provided, single submitter. Criteria: GeneDx Variant Classification Process June 2021. Collection method: clinical testing. Allele origin: germline.
Comment: Not observed at significant frequency in large population cohorts (gnomAD); In silico analysis suggests that this missense variant does not alter protein structure/function; Has not been previously published as pathogenic or benign to our knowledge

NM_001256012.3(MYH10):c.5982G>C (p.Lys1994Asn)

Gene: MYH10 (myosin heavy chain 10; minus strand). Cytogenetic location: 17p13.1.
Variant type: single nucleotide variant.
Coding change: c.5982G>C on transcript NM_001256012.3 (MANE Select); coding-DNA position 5982, G replaced by C.
Protein change: p.Lys1994Asn; replaces lysine 1994 with asparagine.
Molecular consequence: missense variant.
Genome position (GRCh38, 1-based): chr17:8,475,846, C>G on the plus strand (G>C on the coding strand, the complement: MYH10 is on the minus strand). VCF-style: chr17-8475846-C-G. GRCh37 (hg19) VCF-style: chr17-8379164-C-G.
Other names: c.5889G>C, p.Lys1963Asn (NM_005964.5); c.5916G>C, p.Lys1972Asn (NM_001256095.2); c.5919G>C, p.Lys1973Asn (NM_001375266.1); short protein forms K1972N, K1963N, K1994N, K1973N.
Identifiers: ClinVar variation 5008937 (VCV005008937.1).